The following is an entry in ClinVar:

ClinVar aggregate classification (germline): Likely benign (1 of 4 stars; one submission).

Conditions:
Malignant hyperthermia, susceptibility to, 1 (MHS1). Also called: Anesthesia related hyperthermia; Malignant hyperpyrexia; Fulminating hyperpyrexia; Pharmacogenic myopathy; Malignant hyperthermia suceptibility 1; RYR1-Related Malignant Hyperthermia Susceptibility. Identifiers: Orphanet 423, MedGen C2930980, MONDO:0007783, OMIM 145600.

Submission:

All of Us Research Program, National Institutes of Health
Classification: Likely benign for Malignant hyperthermia, susceptibility to, 1. Last evaluated: 2024-06-09. Review status: criteria provided, single submitter. Criteria: ACMG Guidelines, 2015. Collection method: clinical testing. Allele origin: germline. Inheritance: Autosomal dominant inheritance. Observed: 1 variant allele, 1 heterozygote.
Comment: This study involves interpretation of variants in research participants for the purpose of population health screening. Participant phenotype was not available at the time of variant classification. Additional details can be found in publication PMID: 35346344, PMCID: PMC8962531

NM_000540.3(RYR1):c.8019C>T (p.His2673=)

Gene: RYR1 (ryanodine receptor 1; plus strand). Cytogenetic location: 19q13.2.
Variant type: single nucleotide variant.
Coding change: c.8019C>T on transcript NM_000540.3 (MANE Select); coding-DNA position 8019, C replaced by T.
Protein change: p.His2673=; no amino-acid change (histidine 2673 retained).
Molecular consequence: synonymous variant.
Genome position (GRCh38, 1-based): chr19:38,504,312, C>T. VCF-style: chr19-38504312-C-T. GRCh37 (hg19) VCF-style: chr19-38994952-C-T.
Other names: c.8019C>T, p.His2673= (NM_001042723.2).
Identifiers: ClinVar variation 3385463 (VCV003385463.1).